The following is an entry in ClinVar:

ClinVar aggregate classification (germline): Pathogenic (1 of 4 stars; one submission).

Conditions:
Aicardi-Goutieres syndrome 5. Identifiers: Orphanet 51, MedGen C2749659, MONDO:0013059, OMIM 612952.

Submission:

Labcorp Genetics (formerly Invitae), Labcorp
Classification: Pathogenic for Aicardi-Goutieres syndrome 5. Last evaluated: 2022-01-26. Review status: criteria provided, single submitter. Criteria: Invitae Variant Classification Sherloc (09022015). Collection method: clinical testing. Allele origin: germline.
Comment: This sequence change creates a premature translational stop signal (p.Phe329Leufs*15) in the SAMHD1 gene. It is expected to result in an absent or disrupted protein product. Loss-of-function variants in SAMHD1 are known to be pathogenic (PMID: 19525956, 22461318). This variant is not present in population databases (gnomAD no frequency). This premature translational stop signal has been observed in individual(s) with Aicardi-Goutieres syndrome (PMID: 29239743). For these reasons, this variant has been classified as Pathogenic.

Literature cited by the submitters: PubMed 19525956; PubMed 22461318; PubMed 29239743.

NM_015474.4(SAMHD1):c.987del (p.Phe329fs)

Gene: SAMHD1 (SAM and HD domain containing deoxynucleoside triphosphate triphosphohydrolase 1; minus strand). Cytogenetic location: 20q11.23.
Variant type: Deletion.
Coding change: c.987del on transcript NM_015474.4 (MANE Select); coding-DNA position 987, one base deleted (T; older notation c.987delT).
Protein change: p.Phe329fs; shifts the reading frame from phenylalanine 329.
Molecular consequence: frameshift variant.
Genome position (GRCh38, 1-based): chr20:36,916,797, A deleted on the plus strand (T on the coding strand, the reverse complement: SAMHD1 is on the minus strand); the first of 4 consecutive A bases (chr20:36,916,797-36,916,800); deleting any one gives the same sequence. VCF-style (leftmost placement, unchanged base first): chr20-36916796-CA-C. GRCh37 (hg19) VCF-style: chr20-35545199-CA-C.
Other names: c.987del, p.Phe329fs (NM_001363729.2, NM_001363733.2); short protein forms F329fs.
Identifiers: ClinVar variation 2138344 (VCV002138344.4), dbSNP rs2515244334, ClinGen allele CA2580098138.